The following is an entry in ClinVar:

ClinVar aggregate classification (germline): Uncertain significance (1 of 4 stars; one submission).

Conditions:
Hypertrophic cardiomyopathy. Also called: HYPERTROPHIC MYOCARDIOPATHY. Identifiers: Orphanet 217569, MedGen C0007194, MeSH D002312, MONDO:0005045, HP:0001639.

gnomAD v4.1: 1 of 1,609,336 alleles (0.000062%); highest among the groups gnomAD compares: Non-Finnish European, 0.000085%; no homozygotes.

Submission:

Labcorp Genetics (formerly Invitae), Labcorp
Classification: Uncertain significance for Hypertrophic cardiomyopathy. Last evaluated: 2025-06-16. Review status: criteria provided, single submitter. Criteria: Invitae Variant Classification Sherloc (09022015). Collection method: clinical testing. Allele origin: germline.
Comment: This sequence change replaces valine, which is neutral and non-polar, with methionine, which is neutral and non-polar, at codon 1011 of the MYOM1 protein (p.Val1011Met). This variant is present in population databases (rs764613999, gnomAD 0.0009%). This variant has not been reported in the literature in individuals affected with MYOM1-related conditions. ClinVar contains an entry for this variant (Variation ID: 3624382). Invitae Evidence Modeling of protein sequence and biophysical properties (such as structural, functional, and spatial information, amino acid conservation, physicochemical variation, residue mobility, and thermodynamic stability) has been performed for this missense variant. However, the output from this modeling did not meet the statistical confidence thresholds required to predict the impact of this variant on MYOM1 protein function. In summary, the available evidence is currently insufficient to determine the role of this variant in disease. Therefore, it has been classified as a Variant of Uncertain Significance.

NM_003803.4(MYOM1):c.3031G>A (p.Val1011Met)

Gene: MYOM1 (myomesin 1; minus strand). Cytogenetic location: 18p11.31.
Variant type: single nucleotide variant.
Coding change: c.3031G>A on transcript NM_003803.4 (MANE Select); coding-DNA position 3031, G replaced by A.
Protein change: p.Val1011Met; replaces valine 1011 with methionine.
Molecular consequence: missense variant.
Genome position (GRCh38, 1-based): chr18:3,119,956, C>T on the plus strand (G>A on the coding strand, the complement: MYOM1 is on the minus strand). VCF-style: chr18-3119956-C-T. GRCh37 (hg19) VCF-style: chr18-3119954-C-T.
Other names: c.2743G>A, p.Val915Met (NM_019856.2); short protein forms V1011M, V915M.
Identifiers: ClinVar variation 3624382 (VCV003624382.2).